The following is an entry in ClinVar:

ClinVar aggregate classification (germline): Uncertain significance (1 of 4 stars; one submission).

Submission:

Labcorp Genetics (formerly Invitae), Labcorp
Classification: Uncertain significance. Last evaluated: 2022-06-29. Review status: criteria provided, single submitter. Criteria: Invitae Variant Classification Sherloc (09022015). Collection method: clinical testing. Allele origin: germline.
Comment: This sequence change replaces glutamine, which is neutral and polar, with lysine, which is basic and polar, at codon 438 of the TIMM50 protein (p.Gln438Lys). In summary, the available evidence is currently insufficient to determine the role of this variant in disease. Therefore, it has been classified as a Variant of Uncertain Significance. Algorithms developed to predict the effect of missense changes on protein structure and function are either unavailable or do not agree on the potential impact of this missense change (SIFT: "Not Available"; PolyPhen-2: "Benign"; Align-GVGD: "Not Available"). This variant has not been reported in the literature in individuals affected with TIMM50-related conditions. This variant is not present in population databases (gnomAD no frequency).

NM_001001563.5(TIMM50):c.1003C>A (p.Gln335Lys)

Gene: TIMM50 (translocase of inner mitochondrial membrane 50; plus strand). Cytogenetic location: 19q13.2.
Variant type: single nucleotide variant.
Coding change: c.1003C>A on transcript NM_001001563.5 (MANE Select); coding-DNA position 1003, C replaced by A.
Protein change: p.Gln335Lys; replaces glutamine 335 with lysine.
Molecular consequence: missense variant.
Genome position (GRCh38, 1-based): chr19:39,489,761, C>A. VCF-style: chr19-39489761-C-A. GRCh37 (hg19) VCF-style: chr19-39980401-C-A.
Other names: c.664C>A, p.Gln222Lys (NM_001329559.2); short protein forms Q335K, Q222K.
Identifiers: ClinVar variation 2012151 (VCV002012151.4), dbSNP rs2514626776, ClinGen allele CA405790875.